The following is an entry in ClinVar:

NM_000051.4(ATM):c.7757A>G (p.Asn2586Ser)

Genes: ATM (ATM serine/threonine kinase; plus strand), C11orf65 (chromosome 11 open reading frame 65; minus strand). Cytogenetic location: 11q22.3.
Variant type: single nucleotide variant.
Coding change: c.7757A>G on transcript NM_000051.4 (MANE Select); coding-DNA position 7757, A replaced by G.
Protein change: p.Asn2586Ser; replaces asparagine 2586 with serine.
Molecular consequence: missense variant. On other transcripts: intron variant (2).
Genome position (GRCh38, 1-based): chr11:108,332,006, A>G. VCF-style: chr11-108332006-A-G. GRCh37 (hg19) VCF-style: chr11-108202733-A-G.
Other names: p.N2586S:AAT>AGT; c.7757A>G, p.Asn2586Ser (NM_001351834.2); c.641-22935T>C (NM_001330368.2); c.*38+3214T>C (NM_001351110.2); short protein forms N2586S.
Identifiers: ClinVar variation 133633 (VCV000133633.39), dbSNP rs587778079, ClinGen allele CA157171.

ClinVar aggregate classification (germline): Conflicting classifications of pathogenicity. Review status: criteria provided, conflicting classifications (1 of 4 stars). 14 submissions from 14 submitters: Uncertain significance (6); Likely benign (6). 2 of the submissions do not count toward it. Last evaluated 2026-03-17.

Conditions:
ATM-related disorder. Also called: ATM-related disorders; ATM-related condition.
Hereditary cancer-predisposing syndrome. Also called: Neoplastic Syndromes, Hereditary; Hereditary Cancer Syndrome; Tumor predisposition; Hereditary neoplastic syndrome. Identifiers: Orphanet 140162, MedGen C0027672, MeSH D009386, MONDO:0015356.
Familial cancer of breast. Also called: BREAST CANCER, FAMILIAL; hereditary breast carcinoma; Hereditary breast cancer. Identifiers: Orphanet 227535, MedGen C0346153, MONDO:0016419, OMIM 114480. Disease mechanism: loss of function.
Ataxia-telangiectasia syndrome (AT). Also called: Ataxia-telangiectasia, complementation group D; AT, COMPLEMENTATION GROUP C; Ataxia-telangiectasia; ATAXIA-TELANGIECTASIA, COMPLEMENTATION GROUP A; ATAXIA-TELANGIECTASIA, FRESNO VARIANT; Ataxia-telangiectasia, complementation group E. Identifiers: Orphanet 100, MedGen C0004135, MONDO:0008840, OMIM 208900.

Allele frequency attached by ClinVar (database versions not stated): gnomAD 0.00008 and 0.00009; TOPMed 0.00015; gnomAD exomes 0.00005 and 0.00002; ExAC 0.00001.
gnomAD v4.1: 35 of 1,613,900 alleles (0.0022%); highest among the groups gnomAD compares: Admixed American, 0.057%; no homozygotes.

Submissions (14):

Women's Health and Genetics/Laboratory Corporation of America, LabCorp
Classification: Likely benign. Last evaluated: 2026-03-17. Review status: criteria provided, single submitter. Criteria: LabCorp Variant Classification Summary - May 2015. Collection method: clinical testing. Allele origin: germline.
Comment: Variant summary: ATM c.7757A>G (p.Asn2586Ser) results in a conservative amino acid change in the encoded protein sequence. The variant allele was found at a frequency of 2.2e-05 in 1606908 control chromosomes, predominantly at a frequency of 0.00057 within the Latino subpopulation in the gnomAD database. The observed variant frequency within Latino control individuals in the gnomAD database exceeds the estimated maximal expected allele frequency for disease-causing variants in ATM. To our knowledge, no occurrence of c.7757A>G in individuals affected with ATM-related conditions has been reported. A recent publication reported experimental evidence evaluating an impact on protein function, and demonstrated no damaging effect of this variant (Hanenberg_2025). The following publications have been ascertained in the context of this evaluation (PMID: 31206626, 40105422). ClinVar contains an entry for this variant (Variation ID: 133633). Based on the evidence outlined above, the variant was classified as likely benign.

PreventionGenetics, part of Exact Sciences
Classification: Likely benign for ATM-related condition. Last evaluated: 2026-03-16. Review status: criteria provided, single submitter. Criteria: ACMG Guidelines, 2015. Collection method: clinical testing. Allele origin: germline.
Comment: This variant is classified as likely benign based on ACMG/AMP sequence variant interpretation guidelines (Richards et al. 2015 PMID: 25741868, with internal and published modifications).

Labcorp Genetics (formerly Invitae), Labcorp
Classification: Likely benign for Ataxia-telangiectasia syndrome. Last evaluated: 2026-02-03. Review status: criteria provided, single submitter. Criteria: Invitae Variant Classification Sherloc (09022015). Collection method: clinical testing. Allele origin: germline.

Myriad Genetics, Inc.
Classification: Likely benign for Familial cancer of breast. Last evaluated: 2025-12-18. Review status: criteria provided, single submitter. Criteria: Myriad Autosomal Dominant, Autosomal Recessive and X-Linked Classification Criteria (2023). Collection method: clinical testing. Allele origin: unknown.
Comment: This variant is considered likely benign. This variant is strongly associated with less severe personal and family histories of cancer, typical for individuals without pathogenic variants in this gene [PMID: 25085752].

Quest Diagnostics Nichols Institute San Juan Capistrano
Classification: Uncertain significance. Last evaluated: 2025-06-23. Review status: criteria provided, single submitter. Criteria: Quest Diagnostics criteria. Collection method: clinical testing. Allele origin: unknown.

Color Diagnostics, LLC DBA Color Health
Classification: Likely benign for Hereditary cancer-predisposing syndrome. Last evaluated: 2024-09-19. Review status: criteria provided, single submitter. Criteria: ACMG Guidelines, 2015. Collection method: clinical testing. Allele origin: germline.

Department of Pathology and Laboratory Medicine, Sinai Health System
Classification: Uncertain significance for Familial cancer of breast. Last evaluated: 2024-02-12. Review status: criteria provided, single submitter. Criteria: ACMG Guidelines, 2015. Collection method: clinical testing. Allele origin: germline. Affected: yes.

GeneDx
Classification: Uncertain significance. Last evaluated: 2023-05-01. Review status: criteria provided, single submitter. Criteria: GeneDx Variant Classification Process June 2021. Collection method: clinical testing. Allele origin: germline. Affected: yes.
Comment: In silico analysis supports that this missense variant does not alter protein structure/function; Identified in healthy individuals undergoing whole genome sequencing (Bodian et al., 2014); This variant is associated with the following publications: (PMID: 24728327)

Sema4
Classification: Uncertain significance for Hereditary cancer-predisposing syndrome. Last evaluated: 2021-12-23. Review status: criteria provided, single submitter. Criteria: Sema4 Curation Guidelines. Collection method: curation. Allele origin: germline.
Comment: The ATM c.7757A>G (p.N2586S) variant has been reported in healthy individuals undergoing whole genome sequencing (PMID: 24728327). This variant has not been reported in the literature in individuals with an ATM-related disease. It was observed in 13/35432 chromosomes of the Latino/Admixed American subpopulation in the large and broad cohorts of the Genome Aggregation Database (PMID: 32461654). This variant has been reported in ClinVar (Variation ID 133633). Functional studies have not been performed, and in silico predictions of the variant's effect on protein function are inconclusive. The evidence is insufficient to meet ACMG/AMP criteria for classifying the variant as benign or pathogenic. Thus, the clinical significance of this variant is currently uncertain.

Genetic Services Laboratory, University of Chicago
Classification: Uncertain significance. Last evaluated: 2019-05-28. Review status: criteria provided, single submitter. Criteria: ACMG Guidelines, 2015. Collection method: clinical testing. Allele origin: germline. Affected: no.

Ambry Genetics
Classification: Likely benign for Hereditary cancer-predisposing syndrome. Last evaluated: 2019-04-20. Review status: criteria provided, single submitter. Criteria: Ambry Variant Classification Scheme 2023. Collection method: clinical testing. Allele origin: germline.

Eurofins Ntd Llc (ga)
Classification: Uncertain significance. Last evaluated: 2015-09-29. Review status: criteria provided, single submitter. Criteria: EGL Classification Definitions 2015. Collection method: clinical testing. Allele origin: germline. Observed: 1 variant allele, 1 heterozygote.

Natera, Inc.
Classification: Uncertain significance for Ataxia-telangiectasia. Last evaluated: 2020-04-18. Review status: no assertion criteria provided. Collection method: clinical testing. Allele origin: germline. Not counted in ClinVar's aggregate classification.

ITMI
No classification provided. Condition: AllHighlyPenetrant. Last evaluated: 2013-09-19. Review status: no classification provided. Collection method: reference population. Allele origin: germline. Not counted in ClinVar's aggregate classification.
Comment: Please see associated publication for description of ethnicities

Literature cited by the submitters: PubMed 31206626 (cited by Women's Health and Genetics/Laboratory Corporation of America, LabCorp); PubMed 40105422 (cited by Women's Health and Genetics/Laboratory Corporation of America, LabCorp); PubMed 25085752 (cited by Myriad Genetics, Inc.); PubMed 24728327 (cited by 3 submitters).